The following is an entry in ClinVar:

NM_006015.6(ARID1A):c.289G>A (p.Glu97Lys)

Gene: ARID1A (AT-rich interaction domain 1A; plus strand). Cytogenetic location: 1p36.11.
Variant type: single nucleotide variant.
Coding change: c.289G>A on transcript NM_006015.6 (MANE Select); coding-DNA position 289, G replaced by A.
Protein change: p.Glu97Lys; replaces glutamic acid 97 with lysine.
Molecular consequence: missense variant.
Genome position (GRCh38, 1-based): chr1:26,696,692, G>A. VCF-style: chr1-26696692-G-A. GRCh37 (hg19) VCF-style: chr1-27023183-G-A.
Other names: c.289G>A, p.Glu97Lys (NM_139135.4); short protein forms E97K.
Identifiers: ClinVar variation 1028991 (VCV001028991.1), dbSNP rs2080258690, ClinGen allele CA339264797.

ClinVar aggregate classification (germline): Uncertain significance (1 of 4 stars; one submission).

Conditions:
Intellectual disability, autosomal dominant 14 (CSS2). Also called: COFFIN-SIRIS SYNDROME 2. Identifiers: Orphanet 1465, MedGen C3553247, MONDO:0013819, OMIM 614607.

gnomAD v4.1: 1 of 1,345,392 alleles (0.000074%); highest among the groups gnomAD compares: South Asian, 0.0019%; no homozygotes.

Submission:

Baylor Genetics
Classification: Uncertain significance for Intellectual disability, autosomal dominant 14. Last evaluated: 2019-08-14. Review status: criteria provided, single submitter. Criteria: ACMG Guidelines, 2015. Collection method: clinical testing. Allele origin: unknown. Affected: yes.
Comment: This variant was determined to be of uncertain significance according to ACMG Guidelines, 2015 [PMID:25741868].